The following is an entry in ClinVar:

ClinVar aggregate classification (germline): Benign/Likely benign. Review status: criteria provided, multiple submitters, no conflicts (2 of 4 stars). 3 submissions from 3 submitters: Benign (1); Likely benign (1). 1 of the submissions does not count toward it. Last evaluated 2025-03-01.

Conditions:
FMR1-related disorder. Also called: FMR1-related condition.
Fragile X syndrome. Also called: MENTAL RETARDATION, X-LINKED, ASSOCIATED WITH marXq28; X-LINKED MENTAL RETARDATION AND MACROORCHIDISM; Fragile X syndrome, type A; Fragile X Syndrome (FXS); MARKER X SYNDROME; MARTIN-BELL SYNDROME. Identifiers: Orphanet 449291, Orphanet 908, MedGen C0016667, MONDO:0010383, OMIM 300624. Disease mechanism: loss of function.

Allele frequency attached by ClinVar (database versions not stated): 1000 Genomes Project 0.00212; gnomAD 0.00252 and 0.00268; TOPMed 0.00288; gnomAD exomes 0.00037 and 0.00060; ExAC 0.00097; 1000 Genomes Project 30x 0.00208.
gnomAD v4.1: 361 of 327,654 alleles (0.11%); highest among the groups gnomAD compares: African/African-American, 0.89%; no homozygotes.

Submissions (3):

CeGaT Center for Human Genetics Tuebingen
Classification: Likely benign. Last evaluated: 2025-03-01. Review status: criteria provided, single submitter. Criteria: CeGaT Center For Human Genetics Tuebingen Variant Classification Criteria Version 2. Collection method: clinical testing. Allele origin: germline. Affected: yes. Observed: 1 variant allele.
Comment: FMR1: BS2

Mendelics
Classification: Benign for Fragile X syndrome. Last evaluated: 2019-05-28. Review status: criteria provided, single submitter. Criteria: Mendelics Assertion Criteria 2017. Collection method: clinical testing. Allele origin: unknown.

PreventionGenetics, part of Exact Sciences
Classification: Benign for FMR1-related condition. Last evaluated: 2022-02-16. Review status: no assertion criteria provided. Collection method: clinical testing. Allele origin: germline. Not counted in ClinVar's aggregate classification.
Comment: This variant is classified as benign based on ACMG/AMP sequence variant interpretation guidelines (Richards et al. 2015 PMID: 25741868, with internal and published modifications).

NM_002024.6(FMR1):c.*746T>C

Gene: FMR1 (fragile X messenger ribonucleoprotein 1; plus strand). Cytogenetic location: Xq27.3.
Variant type: single nucleotide variant.
Coding change: c.*746T>C on transcript NM_002024.6 (MANE Select); 746 bases downstream of the stop codon, T replaced by C.
Molecular consequence: 3 prime UTR variant. On other transcripts: non-coding transcript variant (2).
Genome position (GRCh38, 1-based): chrX:147,949,590, T>C. VCF-style: chrX-147949590-T-C. GRCh37 (hg19) VCF-style: chrX-147031110-T-C.
Other names: c.*746T>C (NM_002024.5, NM_001185076.2, NM_001185082.2); c.*760T>C (NM_001185075.2, NM_001185081.2).
Identifiers: ClinVar variation 804092 (VCV000804092.10), dbSNP rs183130936, ClinGen allele CA10536441.